The following is an entry in ClinVar:

NM_000492.4(CFTR):c.2571G>T (p.Lys857Asn)

Gene: CFTR (CF transmembrane conductance regulator; plus strand). Cytogenetic location: 7q31.2.
Variant type: single nucleotide variant.
Coding change: c.2571G>T on transcript NM_000492.4 (MANE Select); coding-DNA position 2571, G replaced by T.
Protein change: p.Lys857Asn; replaces lysine 857 with asparagine.
Molecular consequence: missense variant.
Genome position (GRCh38, 1-based): chr7:117,595,010, G>T. VCF-style: chr7-117595010-G-T. GRCh37 (hg19) VCF-style: chr7-117235064-G-T.
Other names: short protein forms K857N.
Identifiers: ClinVar variation 3491664 (VCV003491664.1).

ClinVar aggregate classification (germline): Uncertain significance (1 of 4 stars; one submission).

Conditions:
Cystic fibrosis (CF). Also called: MUCOVISCIDOSIS. Identifiers: Orphanet 586, MedGen C0010674, MONDO:0009061, OMIM 219700. Disease mechanism: loss of function.

Submission:

Ambry Genetics
Classification: Uncertain significance for Cystic fibrosis. Last evaluated: 2024-09-25. Review status: criteria provided, single submitter. Criteria: Ambry Variant Classification Scheme 2023. Collection method: clinical testing. Allele origin: germline.
Comment: The p.K857N variant (also known as c.2571G>T), located in coding exon 15 of the CFTR gene, results from a G to T substitution at nucleotide position 2571. The lysine at codon 857 is replaced by asparagine, an amino acid with similar properties. This amino acid position is well conserved in available vertebrate species. In addition, the in silico prediction for this alteration is inconclusive. Based on the available evidence, the clinical significance of this variant remains unclear.